The following is an entry in ClinVar:

ClinVar aggregate classification (germline): Likely pathogenic (1 of 4 stars; one submission).

Conditions:
Desmin-related myofibrillar myopathy (MFM1). Also called: Desminopathy; Desmin related myopathy (former name); Desmin storage myopathy (former name); MYOFIBRILLAR MYOPATHY WITH ARRHYTHMOGENIC RIGHT VENTRICULAR CARDIOMYOPATHY; DESMIN-RELATED MYOPATHY WITH ARRHYTHMOGENIC RIGHT VENTRICULAR CARDIOMYOPATHY; Myofibrillar myopathy 1. Identifiers: Orphanet 363543, Orphanet 98909, MedGen C1832370, MONDO:0011076, OMIM 601419.

Submission:

Labcorp Genetics (formerly Invitae), Labcorp
Classification: Likely pathogenic for Desmin-related myofibrillar myopathy. Last evaluated: 2020-01-30. Review status: criteria provided, single submitter. Criteria: Invitae Variant Classification Sherloc (09022015). Collection method: clinical testing. Allele origin: germline.
Comment: In summary, the currently available evidence indicates that the variant is pathogenic, but additional data are needed to prove that conclusively. Therefore, this variant has been classified as Likely Pathogenic. Experimental studies and prediction algorithms are not available or were not evaluated, and the functional significance of this variant is currently unknown. This variant has been observed in individual(s) with clinical features of autosomal dominant myofibrillar myopathy (Invitae). In at least one individual the variant was observed to be de novo. This variant is not present in population databases (ExAC no frequency). This variant, c.1027_1032dup, results in the insertion of 2 amino acid(s) to the DES protein (p.Asp343_Ser344dup), but otherwise preserves the integrity of the reading frame.

NM_001927.4(DES):c.1027_1032dup (p.Asp343_Ser344dup)

Gene: DES (desmin; plus strand). Cytogenetic location: 2q35.
Variant type: Duplication.
Coding change: c.1027_1032dup on transcript NM_001927.4 (MANE Select); coding-DNA positions 1027 to 1032, 6 bases duplicated (GATTCC; older notation c.1027_1032dupGATTCC).
Protein change: p.Asp343_Ser344dup.
Molecular consequence: inframe insertion.
Genome position (GRCh38, 1-based): chr2:219,421,343-219,421,348, GATTCC duplicated; duplicating any 6 consecutive bases within chr2:219,421,342-219,421,348 gives the same sequence; the c. name uses the placement nearest the transcript's 3' end. VCF-style (leftmost placement, unchanged base first): chr2-219421341-A-ACGATTC. GRCh37 (hg19) VCF-style: chr2-220286063-A-ACGATTC.
Identifiers: ClinVar variation 838066 (VCV000838066.11), dbSNP rs1954437523, ClinGen allele CA916081393.